The following is an entry in ClinVar:

NM_020070.4(IGLL1):c.236G>A (p.Gly79Asp)

Gene: IGLL1 (immunoglobulin lambda like polypeptide 1; minus strand). Cytogenetic location: 22q11.23.
Variant type: single nucleotide variant.
Coding change: c.236G>A on transcript NM_020070.4 (MANE Select); coding-DNA position 236, G replaced by A.
Protein change: p.Gly79Asp; replaces glycine 79 with aspartic acid.
Molecular consequence: missense variant. On other transcripts: intron variant (1).
Genome position (GRCh38, 1-based): chr22:23,575,053, C>T on the plus strand (G>A on the coding strand, the complement: IGLL1 is on the minus strand). VCF-style: chr22-23575053-C-T. GRCh37 (hg19) VCF-style: chr22-23917240-C-T.
Other names: c.239G>A, p.Gly80Asp (NM_001369906.1); c.207-1468G>A (NM_152855.3); short protein forms G79D, G80D.
Identifiers: ClinVar variation 1497804 (VCV001497804.6), dbSNP rs1330350014, ClinGen allele CA410899200.

ClinVar aggregate classification (germline): Uncertain significance (1 of 4 stars; one submission).

Conditions:
Agammaglobulinemia 2, autosomal recessive (AGM2). Also called: AGAMMAGLOBULINEMIA, AUTOSOMAL RECESSIVE, DUE TO IGLL1 DEFECT. Identifiers: MedGen C3150750, MONDO:0013287, OMIM 613500.

Allele frequency attached by ClinVar (database versions not stated): gnomAD exomes below 0.00001; TOPMed below 0.00001; gnomAD 0.00001.
gnomAD v4.1: 3 of 1,613,866 alleles (0.00019%); highest among the groups gnomAD compares: Non-Finnish European, 0.00025%; no homozygotes.

Submission:

Labcorp Genetics (formerly Invitae), Labcorp
Classification: Uncertain significance for Agammaglobulinemia 2, autosomal recessive. Last evaluated: 2022-09-09. Review status: criteria provided, single submitter. Criteria: Invitae Variant Classification Sherloc (09022015). Collection method: clinical testing. Allele origin: germline.
Comment: In summary, the available evidence is currently insufficient to determine the role of this variant in disease. Therefore, it has been classified as a Variant of Uncertain Significance. ClinVar contains an entry for this variant (Variation ID: 1497804). Algorithms developed to predict the effect of missense changes on protein structure and function (SIFT, PolyPhen-2, Align-GVGD) all suggest that this variant is likely to be tolerated. This variant has not been reported in the literature in individuals affected with IGLL1-related conditions. This variant is present in population databases (no rsID available, gnomAD 0.0009%). This sequence change replaces glycine, which is neutral and non-polar, with aspartic acid, which is acidic and polar, at codon 79 of the IGLL1 protein (p.Gly79Asp).